The following is an entry in ClinVar:

NM_033380.3(COL4A5):c.4316-1G>A

Gene: COL4A5 (collagen type IV alpha 5 chain; plus strand). Cytogenetic location: Xq22.3.
Variant type: single nucleotide variant.
Coding change: c.4316-1G>A on transcript NM_033380.3 (MANE Select); the canonical splice acceptor site of the intron before coding-DNA position 4316, G replaced by A.
Molecular consequence: splice acceptor variant.
Genome position (GRCh38, 1-based): chrX:108,687,481, G>A. VCF-style: chrX-108687481-G-A. GRCh37 (hg19) VCF-style: chrX-107930711-G-A.
Other names: c.4298-1G>A (NM_000495.5).
Identifiers: ClinVar variation 4854765 (VCV004854765.1).
Genomic context (GRCh38, chrX:108,687,481, plus strand): 5'-TATCCATAAGAGTGGATCAGAGCTTACTTAATCTTGTATACTGATTATTTCGTGGAAATA[G>A]GTACCCGTGGTTTGGATGGTCCCCCTGGTCCAGATGGATTGCAAGGTCCCCCAGGTCCCC-3'

ClinVar aggregate classification (germline): Pathogenic (1 of 4 stars; one submission).

Conditions:
X-linked Alport syndrome (ATS1). Also called: NEPHROPATHY AND DEAFNESS, X-LINKED; COL4A5-Related Nephropathy. Identifiers: Orphanet 63, Orphanet 88917, MedGen C4746986, MONDO:0010520, OMIM 301050.

Submission:

3billion
Classification: Pathogenic for X-linked Alport syndrome. Last evaluated: 2025-06-24. Review status: criteria provided, single submitter. Criteria: ACMG Guidelines, 2015. Collection method: clinical testing. Allele origin: germline. Affected: yes.
Comment: The variant is not observed in the gnomAD v4.1.0 dataset. Predicted Consequence/Location: Canonical splice site: predicted to alter splicing and result in a loss or disruption of normal protein function. Multiple pathogenic loss-of-function variants are reported downstream of the variant. In silico tools predict the variant to alter splicing and produce an abnormal transcript [SpliceAI: 0.97 (spliceogenicity >=0.2, non-spliceogenicity <0.1)]. The variant has been reported to be associated with COL4A5-related disorder (PMID: 35020912). Therefore, this variant is classified as Pathogenic according to the recommendation of ACMG/AMP guideline.

Literature cited by the submitters: PubMed 35020912.